The following is an entry in ClinVar:

NM_015041.3(CLUAP1):c.1125A>T (p.Glu375Asp)

Gene: CLUAP1 (clusterin associated protein 1; plus strand). Cytogenetic location: 16p13.3.
Variant type: single nucleotide variant.
Coding change: c.1125A>T on transcript NM_015041.3 (MANE Select); coding-DNA position 1125, A replaced by T.
Protein change: p.Glu375Asp; replaces glutamic acid 375 with aspartic acid.
Molecular consequence: missense variant.
Genome position (GRCh38, 1-based): chr16:3,536,154, A>T. VCF-style: chr16-3536154-A-T. GRCh37 (hg19) VCF-style: chr16-3586154-A-T.
Other names: c.1182A>T, p.Glu394Asp (NM_001330454.2); c.627A>T, p.Glu209Asp (NM_024793.3); short protein forms E209D, E375D, E394D.
Identifiers: ClinVar variation 2041135 (VCV002041135.4), dbSNP rs145003360, ClinGen allele CA7864049.

ClinVar aggregate classification (germline): Uncertain significance (1 of 4 stars; one submission).

Allele frequency attached by ClinVar (database versions not stated): ExAC 0.00001; gnomAD 0.00001; ESP Exome Variant Server 0.00008.
gnomAD v4.1: 1 of 1,614,088 alleles (0.000062%); highest among the groups gnomAD compares: African/African-American, 0.0013%; no homozygotes.

Submission:

Labcorp Genetics (formerly Invitae), Labcorp
Classification: Uncertain significance. Last evaluated: 2022-05-16. Review status: criteria provided, single submitter. Criteria: Invitae Variant Classification Sherloc (09022015). Collection method: clinical testing. Allele origin: germline.
Comment: In summary, the available evidence is currently insufficient to determine the role of this variant in disease. Therefore, it has been classified as a Variant of Uncertain Significance. Algorithms developed to predict the effect of missense changes on protein structure and function output the following: SIFT: "Tolerated"; PolyPhen-2: "Benign"; Align-GVGD: "Class C0". The aspartic acid amino acid residue is found in multiple mammalian species, which suggests that this missense change does not adversely affect protein function. This variant has not been reported in the literature in individuals affected with CLUAP1-related conditions. This variant is not present in population databases (gnomAD no frequency). This sequence change replaces glutamic acid, which is acidic and polar, with aspartic acid, which is acidic and polar, at codon 375 of the CLUAP1 protein (p.Glu375Asp).